The following is an entry in ClinVar:

NM_025081.3(NYNRIN):c.5308G>A (p.Glu1770Lys)

Gene: NYNRIN (NYN domain and retroviral integrase containing; plus strand). Cytogenetic location: 14q12.
Variant type: single nucleotide variant.
Coding change: c.5308G>A on transcript NM_025081.3 (MANE Select); coding-DNA position 5308, G replaced by A.
Protein change: p.Glu1770Lys; replaces glutamic acid 1770 with lysine.
Molecular consequence: missense variant.
Genome position (GRCh38, 1-based): chr14:24,417,057, G>A. VCF-style: chr14-24417057-G-A. GRCh37 (hg19) VCF-style: chr14-24886263-G-A.
Other names: short protein forms E1770K.
Identifiers: ClinVar variation 4056115 (VCV004056115.2).
Genomic context (GRCh38, chr14:24,417,057, plus strand): 5'-GCCTCCTCCACTGATGCCACACCGTTCAAGGTCCTGACCGGGGGTGAGTCAAGGCTCACG[G>A]AGCCCCTGTGGTGGGAGATGAGCAGCGCAAACATTGAAGGGCTCAAGATGGACGTCTTCC-3'
Protein context (NP_079357.2, residues 1760-1780): VLTGGESRLT[Glu1770Lys]PLWWEMSSAN

ClinVar aggregate classification (germline): Uncertain significance (1 of 4 stars; one submission).

Conditions:
Predisposition to Wilms tumor.

Submission:

St. Jude Molecular Pathology, St. Jude Children's Research Hospital
Classification: Uncertain significance for Predisposition to Wilms tumor. Last evaluated: 2025-06-17. Review status: criteria provided, single submitter. Criteria: St. Jude Assertion Criteria 2020. Collection method: clinical testing. Allele origin: germline.
Comment: The NYNRIN c.5308G>A p.(Glu1770Lys) missense change is absent in gnomAD v2.1.1. The in silico tool REVEL predicts a benign effect on protein function, but to our knowledge this prediction has not been confirmed by functional studies. To our knowledge, this variant has not been reported in individuals with Wilms tumor. In summary, the evidence currently available is insufficient to determine the clinical significance of this variant. It has therefore been classified as of uncertain significance.